The following is an entry in ClinVar:

ClinVar aggregate classification (germline): Uncertain significance (1 of 4 stars; one submission).

Allele frequency attached by ClinVar (database versions not stated): ExAC 0.00001; gnomAD 0.00001; gnomAD exomes 0.00001; TOPMed 0.00003.
gnomAD v4.1: 12 of 1,612,790 alleles (0.00074%); highest among the groups gnomAD compares: Admixed American, 0.012%; no homozygotes.

Submission:

Labcorp Genetics (formerly Invitae), Labcorp
Classification: Uncertain significance. Last evaluated: 2025-04-08. Review status: criteria provided, single submitter. Criteria: Invitae Variant Classification Sherloc (09022015). Collection method: clinical testing. Allele origin: germline.
Comment: This sequence change replaces serine, which is neutral and polar, with glycine, which is neutral and non-polar, at codon 1238 of the LRPPRC protein (p.Ser1238Gly). This variant is present in population databases (rs753104408, gnomAD 0.02%). This variant has not been reported in the literature in individuals affected with LRPPRC-related conditions. ClinVar contains an entry for this variant (Variation ID: 2146406). An algorithm developed to predict the effect of missense changes on protein structure and function (PolyPhen-2) suggests that this variant is likely to be tolerated. Algorithms developed to predict the effect of sequence changes on RNA splicing suggest that this variant may create or strengthen a splice site. In summary, the available evidence is currently insufficient to determine the role of this variant in disease. Therefore, it has been classified as a Variant of Uncertain Significance.

NM_133259.4(LRPPRC):c.3712A>G (p.Ser1238Gly)

Gene: LRPPRC (leucine rich pentatricopeptide repeat containing; minus strand). Cytogenetic location: 2p21.
Variant type: single nucleotide variant.
Coding change: c.3712A>G on transcript NM_133259.4 (MANE Select); coding-DNA position 3712, A replaced by G.
Protein change: p.Ser1238Gly; replaces serine 1238 with glycine.
Molecular consequence: missense variant.
Genome position (GRCh38, 1-based): chr2:43,899,332, T>C on the plus strand (A>G on the coding strand, the complement: LRPPRC is on the minus strand). VCF-style: chr2-43899332-T-C. GRCh37 (hg19) VCF-style: chr2-44126471-T-C.
Other names: short protein forms S1238G.
Identifiers: ClinVar variation 2146406 (VCV002146406.3), dbSNP rs753104408, ClinGen allele CA1637965.
Genomic context (GRCh38, chr2:43,899,332, plus strand): 5'-AAAAATCAGTGACAGGTTTATAAATTGCAAACTGATTGGCCAATCTCTCCGCCATGATGC[T>C]TACTGGAAAAATGACAGGTAAGAAAAATCTTTCATTAGAACAGTGGTATAACTCACCTAC-3'
Protein context (NP_573566.2, residues 1228-1248): EQLEPAVEKI[Ser1238Gly]IMAERLANQF